The following is an entry in ClinVar:

ClinVar aggregate classification (germline): Uncertain significance (1 of 4 stars; one submission).

Submission:

Labcorp Genetics (formerly Invitae), Labcorp
Classification: Uncertain significance. Last evaluated: 2021-03-03. Review status: criteria provided, single submitter. Criteria: Invitae Variant Classification Sherloc (09022015). Collection method: clinical testing. Allele origin: germline.
Comment: In summary, the available evidence is currently insufficient to determine the role of this variant in disease. Therefore, it has been classified as a Variant of Uncertain Significance. Algorithms developed to predict the effect of missense changes on protein structure and function (SIFT, PolyPhen-2, Align-GVGD) all suggest that this variant is likely to be tolerated, but these predictions have not been confirmed by published functional studies and their clinical significance is uncertain. This variant has not been reported in the literature in individuals with TNFRSF9-related conditions. This sequence change replaces aspartic acid with valine at codon 142 of the TNFRSF9 protein (p.Asp142Val). The aspartic acid residue is weakly conserved and there is a large physicochemical difference between aspartic acid and valine. This variant is not present in population databases (ExAC no frequency).

NM_001561.6(TNFRSF9):c.425A>T (p.Asp142Val)

Gene: TNFRSF9 (TNF receptor superfamily member 9; minus strand). Cytogenetic location: 1p36.23.
Variant type: single nucleotide variant.
Coding change: c.425A>T on transcript NM_001561.6 (MANE Select); coding-DNA position 425, A replaced by T.
Protein change: p.Asp142Val; replaces aspartic acid 142 with valine.
Molecular consequence: missense variant.
Genome position (GRCh38, 1-based): chr1:7,935,132, T>A on the plus strand (A>T on the coding strand, the complement: TNFRSF9 is on the minus strand). VCF-style: chr1-7935132-T-A. GRCh37 (hg19) VCF-style: chr1-7995192-T-A.
Other names: short protein forms D142V.
Identifiers: ClinVar variation 1514237 (VCV001514237.8), dbSNP rs1578076558, ClinGen allele CA338158641.